The following is an entry in ClinVar:

NM_032982.4(CASP2):c.1236A>C (p.Ala412=)

Gene: CASP2 (caspase 2; plus strand). Cytogenetic location: 7q34.
Variant type: single nucleotide variant.
Coding change: c.1236A>C on transcript NM_032982.4 (MANE Select); coding-DNA position 1236, A replaced by C.
Protein change: p.Ala412=; no amino-acid change (alanine 412 retained).
Molecular consequence: synonymous variant. On other transcripts: 3 prime UTR variant (2).
Genome position (GRCh38, 1-based): chr7:143,304,948, A>C. VCF-style: chr7-143304948-A-C. GRCh37 (hg19) VCF-style: chr7-143002041-A-C.
Other names: c.*265A>C (NM_001224.5); c.*691A>C (NM_032983.4).
Identifiers: ClinVar variation 2658113 (VCV002658113.25), dbSNP rs143054447, ClinGen allele CA4536737.

ClinVar aggregate classification (germline): Likely benign. Review status: criteria provided, multiple submitters, no conflicts (2 of 4 stars). 2 submissions from 2 submitters: Likely benign (2). Last evaluated 2026-05-01.

Allele frequency attached by ClinVar (database versions not stated): ESP Exome Variant Server 0.00008.
gnomAD v4.1: 213 of 1,614,014 alleles (0.013%); highest among the groups gnomAD compares: Middle Eastern, 0.35%; 2 homozygotes.

Submissions (2):

CeGaT Center for Human Genetics Tuebingen
Classification: Likely benign. Last evaluated: 2026-05-01. Review status: criteria provided, single submitter. Criteria: CeGaT Center For Human Genetics Tuebingen Variant Classification Criteria Version 2. Collection method: clinical testing. Allele origin: germline. Affected: yes. Observed: 3 variant alleles.
Comment: CASP2: BP4, BP7

Blueprint Genetics
Classification: Likely benign. Last evaluated: 2024-11-19. Review status: criteria provided, single submitter. Criteria: ACMG Guidelines, 2015. Collection method: clinical testing. Allele origin: germline.